The following is an entry in ClinVar:

NM_002691.4(POLD1):c.1494+10G>A

Gene: POLD1 (DNA polymerase delta 1, catalytic subunit; plus strand). Cytogenetic location: 19q13.33.
Variant type: single nucleotide variant.
Coding change: c.1494+10G>A on transcript NM_002691.4 (MANE Select); 10 bases into the intron after coding-DNA position 1494, G replaced by A.
Molecular consequence: intron variant.
Genome position (GRCh38, 1-based): chr19:50,406,527, G>A. VCF-style: chr19-50406527-G-A. GRCh37 (hg19) VCF-style: chr19-50909784-G-A.
Other names: c.1494+10G>A (NM_002691.3, NM_001256849.1, NM_001308632.1).
Identifiers: ClinVar variation 1153982 (VCV001153982.12), dbSNP rs2122328682, ClinGen allele CA2499225563.
Genomic context (GRCh38, chr19:50,406,527, plus strand): 5'-CTGGGCGAGCAGAAGGAGGACGTGCAGCACAGCATCATCACCGACCTGCAGGTGCCTGCT[G>A]CCTCCCTGACCTCTCACCCCAACCTCTGACCTCCACCTCACCCTTCCCCGGCCTCTGACC-3'

ClinVar aggregate classification (germline): Conflicting classifications of pathogenicity. Review status: criteria provided, conflicting classifications (1 of 4 stars). 4 submissions from 4 submitters: Uncertain significance (1); Likely benign (3). Last evaluated 2025-08-19.

Conditions:
Hereditary cancer-predisposing syndrome. Also called: Hereditary neoplastic syndrome; Neoplastic Syndromes, Hereditary; Tumor predisposition; Hereditary Cancer Syndrome. Identifiers: Orphanet 140162, MedGen C0027672, MeSH D009386, MONDO:0015356.
POLD1-related polyposis and colorectal cancer syndrome (CRCS10). Also called: Colorectal cancer, susceptibility to, 10; Colorectal cancer 10; COLORECTAL CANCER, SUSCEPTIBILITY TO, ON CHROMOSOME 19q. Identifiers: Orphanet 220460, MedGen C2675481, MONDO:0012953, OMIM 612591.

Allele frequency attached by ClinVar (database versions not stated): gnomAD exomes 0.00001.
gnomAD v4.1: 18 of 1,556,028 alleles (0.0012%); highest among the groups gnomAD compares: Non-Finnish European, 0.0016%; no homozygotes.

Submissions (4):

Quest Diagnostics Nichols Institute San Juan Capistrano
Classification: Uncertain significance. Last evaluated: 2025-08-19. Review status: criteria provided, single submitter. Criteria: Quest Diagnostics criteria. Collection method: clinical testing. Allele origin: unknown.
Comment: The POLD1 c.1494+10G>A variant has not been reported in individuals with POLD1-related conditions in the published literature. This variant has not been reported in large, multi-ethnic general populations (Genome Aggregation Database). Analysis of this variant using software algorithms for the prediction of the effect of nucleotide changes on splicing yielded predictions that this variant does not affect POLD1 mRNA splicing. Based on the available information, we are unable to determine the clinical significance of this variant.

Institute for Biomarker Research, Medical Diagnostic Laboratories, L.L.C.
Classification: Likely benign for Hereditary cancer-predisposing syndrome. Last evaluated: 2025-02-06. Review status: criteria provided, single submitter. Criteria: ACMG Guidelines, 2015. Collection method: clinical testing. Allele origin: germline.
Comment: The intron variant NM_001308632.1(POLD1):c.1494+10G>A has been reported to ClinVar as Likely benign with a status of (1 stars) criteria provided, single submitter (Variation ID 1153982 as of 2025-01-02). The c.1494+10G>A variant is not predicted to disrupt the existing donor splice site 8bp upstream by any splice site algorithm. The c.1494+10G>A variant results in a substitution of a base that is not predicted conserved by GERP++ and PhyloP. For these reasons, this variant has been classified as Likely Benign.

Myriad Genetics, Inc.
Classification: Likely benign for POLD1-related polyposis and colorectal cancer syndrome. Last evaluated: 2025-02-06. Review status: criteria provided, single submitter. Criteria: Myriad Autosomal Dominant, Autosomal Recessive and X-Linked Classification Criteria (2023). Collection method: clinical testing. Allele origin: unknown.
Comment: This variant is considered likely benign. This variant is intronic and is not expected to impact mRNA splicing.

Labcorp Genetics (formerly Invitae), Labcorp
Classification: Likely benign for POLD1-related polyposis and colorectal cancer syndrome. Last evaluated: 2024-01-10. Review status: criteria provided, single submitter. Criteria: Invitae Variant Classification Sherloc (09022015). Collection method: clinical testing. Allele origin: germline.